The following is an entry in ClinVar:

ClinVar aggregate classification (germline): Uncertain significance. Review status: criteria provided, multiple submitters, no conflicts (2 of 4 stars). 2 submissions from 2 submitters: Uncertain significance (2). Last evaluated 2025-10-11.

Conditions:
Fanconi anemia complementation group J. Also called: BRIP1-Related Fanconi Anemia. Identifiers: Orphanet 84, MedGen C1836860, MONDO:0012187, OMIM 609054.
Familial cancer of breast. Also called: BREAST CANCER, FAMILIAL; hereditary breast carcinoma; Hereditary breast cancer. Identifiers: Orphanet 227535, MedGen C0346153, MONDO:0016419, OMIM 114480. Disease mechanism: loss of function.
Hereditary cancer-predisposing syndrome. Also called: Neoplastic Syndromes, Hereditary; Hereditary neoplastic syndrome; Tumor predisposition; Hereditary Cancer Syndrome. Identifiers: Orphanet 140162, MedGen C0027672, MeSH D009386, MONDO:0015356.

Submissions (2):

Ambry Genetics
Classification: Uncertain significance for Hereditary cancer-predisposing syndrome. Last evaluated: 2025-10-11. Review status: criteria provided, single submitter. Criteria: Ambry Variant Classification Scheme 2023. Collection method: clinical testing. Allele origin: germline.
Comment: The p.C88G variant (also known as c.262T>G), located in coding exon 3 of the BRIP1 gene, results from a T to G substitution at nucleotide position 262. The cysteine at codon 88 is replaced by glycine, an amino acid with highly dissimilar properties. This amino acid position is conserved. In addition, the in silico prediction for this alteration is inconclusive. Based on the available evidence, the clinical significance of this variant remains unclear.

Labcorp Genetics (formerly Invitae), Labcorp
Classification: Uncertain significance for Familial cancer of breast; Fanconi anemia complementation group J. Last evaluated: 2019-06-14. Review status: criteria provided, single submitter. Criteria: Invitae Variant Classification Sherloc (09022015). Collection method: clinical testing. Allele origin: germline.
Comment: In summary, the available evidence is currently insufficient to determine the role of this variant in disease. Therefore, it has been classified as a Variant of Uncertain Significance. Algorithms developed to predict the effect of missense changes on protein structure and function do not agree on the potential impact of this missense change (SIFT: "Deleterious"; PolyPhen-2: "Probably Damaging"; Align-GVGD: "Class C0"). This variant has not been reported in the literature in individuals with BRIP1-related disease. This variant is not present in population databases (ExAC no frequency). This sequence change replaces cysteine with glycine at codon 88 of the BRIP1 protein (p.Cys88Gly). The cysteine residue is highly conserved and there is a large physicochemical difference between cysteine and glycine.

NM_032043.3(BRIP1):c.262T>G (p.Cys88Gly)

Gene: BRIP1 (BRCA1 interacting DNA helicase 1; minus strand). Cytogenetic location: 17q23.2.
Variant type: single nucleotide variant.
Coding change: c.262T>G on transcript NM_032043.3 (MANE Select); coding-DNA position 262, T replaced by G.
Protein change: p.Cys88Gly; replaces cysteine 88 with glycine.
Molecular consequence: missense variant.
Genome position (GRCh38, 1-based): chr17:61,857,175, A>C on the plus strand (T>G on the coding strand, the complement: BRIP1 is on the minus strand). VCF-style: chr17-61857175-A-C. GRCh37 (hg19) VCF-style: chr17-59934536-A-C.
Other names: short protein forms C88G.
Identifiers: ClinVar variation 530299 (VCV000530299.12), dbSNP rs1555617890, ClinGen allele CA400485507.
Genomic context (GRCh38, chr17:61,857,175, plus strand): 5'-AATGACGTGAAGTTCCTTGGTTCATGTCATTGTTTGTAAAATCCTTTGAATGGCATGCAC[A>C]ACAACATGACAATTGTACTTCAGCTTTTTCACTTACGCCCTCATCTGCTGGTTTCCCTAA-3'
Protein context (NP_114432.2, residues 78-98): EKAEVQLSCC[Cys88Gly]ACHSKDFTNN